The following is an entry in ClinVar:

ClinVar aggregate classification (germline): Conflicting classifications of pathogenicity. Review status: criteria provided, conflicting classifications (1 of 4 stars). 4 submissions from 4 submitters: Uncertain significance (3); Likely benign (1). Last evaluated 2025-09-22.

Conditions:
Hereditary cancer-predisposing syndrome. Also called: Neoplastic Syndromes, Hereditary; Tumor predisposition; Hereditary Cancer Syndrome; Hereditary neoplastic syndrome. Identifiers: Orphanet 140162, MedGen C0027672, MeSH D009386, MONDO:0015356.
Hereditary breast ovarian cancer syndrome. Also called: Breast and ovarian cancer; Hereditary breast and ovarian cancer; Hereditary breast and/or ovarian cancer syndrome; BRCA1- and BRCA2-Associated Hereditary Breast and Ovarian Cancer; Hereditary breast and ovarian cancer syndrome; Hereditary breast and ovarian cancer syndrome (HBOC). Identifiers: Orphanet 145, MedGen C0677776, MeSH D061325, MONDO:0003582. Disease mechanism: loss of function.

Allele frequency attached by ClinVar (database versions not stated): TOPMed below 0.00001.

Submissions (4):

Color Diagnostics, LLC DBA Color Health
Classification: Uncertain significance for Hereditary cancer-predisposing syndrome. Last evaluated: 2025-09-22. Review status: criteria provided, single submitter. Criteria: ACMG Guidelines, 2015. Collection method: clinical testing. Allele origin: germline.
Comment: This missense variant replaces serine with arginine at codon 1139 of the BRCA1 protein. Computational prediction suggests that this variant may not impact protein structure and function. To our knowledge, functional studies have not been reported for this variant. Multifactorial analysis on clinical data has reached a combined likelihood ratio (LR) of 4.36 from published LR for 1 carrier (PMID: 31853058). This variant has not been identified in the general population by the Genome Aggregation Database (gnomAD). The available evidence is insufficient to determine the role of this variant in disease conclusively. Therefore, this variant is classified as a Variant of Uncertain Significance.

Ambry Genetics
Classification: Uncertain significance for Hereditary cancer-predisposing syndrome. Last evaluated: 2025-06-16. Review status: criteria provided, single submitter. Criteria: Ambry Variant Classification Scheme 2023. Collection method: clinical testing. Allele origin: germline.
Comment: The p.S1139R variant (also known as c.3415A>C), located in coding exon 9 of the BRCA1 gene, results from an A to C substitution at nucleotide position 3415. The serine at codon 1139 is replaced by arginine, an amino acid with dissimilar properties. This amino acid position is not well conserved in available vertebrate species. In addition, the in silico prediction for this alteration is inconclusive. Since supporting evidence is limited at this time, the clinical significance of this alteration remains unclear.

Labcorp Genetics (formerly Invitae), Labcorp
Classification: Uncertain significance for Hereditary breast ovarian cancer syndrome. Last evaluated: 2025-04-20. Review status: criteria provided, single submitter. Criteria: Invitae Variant Classification Sherloc (09022015). Collection method: clinical testing. Allele origin: germline.
Comment: This sequence change replaces serine, which is neutral and polar, with arginine, which is basic and polar, at codon 1139 of the BRCA1 protein (p.Ser1139Arg). This variant is not present in population databases (gnomAD no frequency). This variant has not been reported in the literature in individuals affected with BRCA1-related conditions. ClinVar contains an entry for this variant (Variation ID: 141462). Invitae Evidence Modeling of protein sequence and biophysical properties (such as structural, functional, and spatial information, amino acid conservation, physicochemical variation, residue mobility, and thermodynamic stability) indicates that this missense variant is not expected to disrupt BRCA1 protein function with a negative predictive value of 80%. In summary, the available evidence is currently insufficient to determine the role of this variant in disease. Therefore, it has been classified as a Variant of Uncertain Significance.

University of Washington Department of Laboratory Medicine, University of Washington
Classification: Likely benign for Hereditary cancer-predisposing syndrome. Last evaluated: 2023-03-23. Review status: criteria provided, single submitter. Criteria: Dines et al. (Genet Med. 2020). Collection method: curation. Allele origin: germline.
Comment: Missense variant in a coldspot region where missense variants are very unlikely to be pathogenic (PMID:31911673).

BRCA1 coldspot (exon 11 using historical exon numbering). Reclassification based on statistical prior probability

Literature cited by the submitters: PubMed 31853058 (cited by Color Diagnostics, LLC DBA Color Health).

NM_007294.4(BRCA1):c.3415A>C (p.Ser1139Arg)

Genes: BRCA1 (BRCA1 DNA repair associated; minus strand), LOC126862571 (BRD4-independent group 4 enhancer GRCh37_chr17:41243136-41244335; plus strand). Cytogenetic location: 17q21.31.
Variant type: single nucleotide variant.
Coding change: c.3415A>C on transcript NM_007294.4 (MANE Select); coding-DNA position 3415, A replaced by C.
Protein change: p.Ser1139Arg; replaces serine 1139 with arginine.
Molecular consequence: missense variant. On other transcripts: intron variant (135).
Genome position (GRCh38, 1-based): chr17:43,092,116, T>G on the plus strand (A>C on the coding strand, the complement: BRCA1 is on the minus strand). VCF-style: chr17-43092116-T-G. GRCh37 (hg19) VCF-style: chr17-41244133-T-G.
Other names: c.3274A>C, p.Ser1092Arg (NM_007297.4, NM_001407692.1, NM_001407694.1 and 29 more transcripts); c.644-1084A>C (NM_001408470.1, NM_001408464.1, NM_001408468.1 and 3 more transcripts); c.647-1084A>C (NM_001408469.1, NM_001408458.1, NM_001408453.1 and 11 more transcripts); c.284-1084A>C (NM_001408512.1); c.3415A>C, p.Ser1139Arg (NM_007300.4, NM_001407581.1, NM_001407582.1 and 30 more transcripts); c.407-1084A>C (NM_001408510.1); c.3289A>C, p.Ser1097Arg (NM_001407673.1, NM_001407685.1, NM_001407686.1 and 11 more transcripts); c.3292A>C, p.Ser1098Arg (NM_001407674.1, NM_001407675.1, NM_001407676.1 and 19 more transcripts); and 41 more; short protein forms S1139R, S1092R, S1072R, S271R, S1027R, S1051R, S1068R, S1071R.
Identifiers: ClinVar variation 141462 (VCV000141462.26), dbSNP rs587781765, ClinGen allele CA002207.